The following is an entry in ClinVar:

ClinVar aggregate classification (germline): Uncertain significance. Review status: criteria provided, multiple submitters, no conflicts (2 of 4 stars). 3 submissions from 3 submitters: Uncertain significance (3). Last evaluated 2024-06-10.

Conditions:
Familial cancer of breast. Also called: Hereditary breast cancer; hereditary breast carcinoma; BREAST CANCER, FAMILIAL. Identifiers: Orphanet 227535, MedGen C0346153, MONDO:0016419, OMIM 114480. Disease mechanism: loss of function.

Submissions (3):

Quest Diagnostics Nichols Institute San Juan Capistrano
Classification: Uncertain significance. Last evaluated: 2024-06-10. Review status: criteria provided, single submitter. Criteria: Quest Diagnostics criteria. Collection method: clinical testing. Allele origin: unknown.
Comment: The CHEK2 c.278G>C (p.Trp93Ser) variant has not been reported in individuals with CHEK2-related conditions in the published literature. It also has not been reported in large, multi-ethnic general populations (Genome Aggregation Database). Analysis of this variant using bioinformatics tools for the prediction of the effect of amino acid changes on protein structure and function yielded predictions that this variant is damaging. Based on the available information, we are unable to determine the clinical significance of this variant.

Labcorp Genetics (formerly Invitae), Labcorp
Classification: Uncertain significance for Familial cancer of breast. Last evaluated: 2024-04-06. Review status: criteria provided, single submitter. Criteria: Invitae Variant Classification Sherloc (09022015). Collection method: clinical testing. Allele origin: germline.
Comment: This sequence change replaces tryptophan, which is neutral and slightly polar, with serine, which is neutral and polar, at codon 93 of the CHEK2 protein (p.Trp93Ser). This variant is not present in population databases (gnomAD no frequency). This variant has not been reported in the literature in individuals affected with CHEK2-related conditions. ClinVar contains an entry for this variant (Variation ID: 582573). An algorithm developed to predict the effect of missense changes on protein structure and function (PolyPhen-2) suggests that this variant is likely to be disruptive. In summary, the available evidence is currently insufficient to determine the role of this variant in disease. Therefore, it has been classified as a Variant of Uncertain Significance.

GeneDx
Classification: Uncertain significance. Last evaluated: 2020-04-30. Review status: criteria provided, single submitter. Criteria: GeneDx Variant Classification Process June 2021. Collection method: clinical testing. Allele origin: germline. Affected: yes.
Comment: Not observed in large population cohorts (Lek 2016); In silico analysis supports that this missense variant has a deleterious effect on protein structure/function; Has not been previously published as pathogenic or benign to our knowledge; This variant is associated with the following publications: (PMID: 28153863)

NM_007194.4(CHEK2):c.278G>C (p.Trp93Ser)

Gene: CHEK2 (checkpoint kinase 2; minus strand). Cytogenetic location: 22q12.1.
Variant type: single nucleotide variant.
Coding change: c.278G>C on transcript NM_007194.4 (MANE Select); coding-DNA position 278, G replaced by C.
Protein change: p.Trp93Ser; replaces tryptophan 93 with serine.
Molecular consequence: missense variant.
Genome position (GRCh38, 1-based): chr22:28,734,444, C>G on the plus strand (G>C on the coding strand, the complement: CHEK2 is on the minus strand). VCF-style: chr22-28734444-C-G. GRCh37 (hg19) VCF-style: chr22-29130432-C-G.
Other names: c.278G>C, p.Trp93Ser (NM_001005735.3, NM_001349956.3, NM_145862.3); c.-500G>C (NM_001257387.3); short protein forms W93S.
Identifiers: ClinVar variation 582573 (VCV000582573.12), dbSNP rs786203889, ClinGen allele CA411090405.
Genomic context (GRCh38, chr22:28,734,444, plus strand): 5'-ATACAACAAAGGGTCTTACCAAGATTGGCAAATCCATCCTGAAGGGCCCATAATCGAGCC[C>G]AGGGGGCAGGGGTAGGCTCCTCAGGTTCTTGGTCCTCAGGTTCTTGGTCCTCAGGAATAG-3'
Protein context (NP_009125.1, residues 83-103): QEPEEPTPAP[Trp93Ser]ARLWALQDGF